The following is an entry in ClinVar:

NM_001291415.2(KDM6A):c.1529C>A (p.Pro510His)

Gene: KDM6A (lysine demethylase 6A; plus strand). Cytogenetic location: Xp11.3.
Variant type: single nucleotide variant.
Coding change: c.1529C>A on transcript NM_001291415.2 (MANE Select); coding-DNA position 1529, C replaced by A.
Protein change: p.Pro510His; replaces proline 510 with histidine.
Molecular consequence: missense variant. On other transcripts: non-coding transcript variant (1).
Genome position (GRCh38, 1-based): chrX:45,061,367, C>A. VCF-style: chrX-45061367-C-A. GRCh37 (hg19) VCF-style: chrX-44920612-C-A.
Other names: c.1394C>A, p.Pro465His (NM_001291416.2, NM_001419811.1); c.1238C>A, p.Pro413His (NM_001291417.2, NM_001291418.2, NM_001419815.1); c.485C>A, p.Pro162His (NM_001291421.2); c.1373C>A, p.Pro458His (NM_001410742.1, NM_001419812.1, NM_001419814.1 and 1 more transcripts); c.1529C>A, p.Pro510His (NM_001419809.1, NM_001419810.1, NM_001419813.1); short protein forms P162H, P413H, P458H, P465H, P510H.
Identifiers: ClinVar variation 2806707 (VCV002806707.3), dbSNP rs1217264930, ClinGen allele CA412784961.

ClinVar aggregate classification (germline): Uncertain significance (1 of 4 stars; one submission).

Conditions:
Kabuki syndrome 2 (KABUK2). Also called: KDM6A-Related Kabuki Syndrome. Identifiers: Orphanet 2322, MedGen C3275495, MONDO:0010465, OMIM 300867.

gnomAD v4.1: 2 of 1,187,805 alleles (0.00017%); highest among the groups gnomAD compares: Non-Finnish European, 0.00023%; no homozygotes.

Submission:

Labcorp Genetics (formerly Invitae), Labcorp
Classification: Uncertain significance for Kabuki syndrome 2. Last evaluated: 2023-03-11. Review status: criteria provided, single submitter. Criteria: Invitae Variant Classification Sherloc (09022015). Collection method: clinical testing. Allele origin: germline.
Comment: Advanced modeling of protein sequence and biophysical properties (such as structural, functional, and spatial information, amino acid conservation, physicochemical variation, residue mobility, and thermodynamic stability) performed at Invitae indicates that this missense variant is not expected to disrupt KDM6A protein function. In summary, the available evidence is currently insufficient to determine the role of this variant in disease. Therefore, it has been classified as a Variant of Uncertain Significance. This variant has not been reported in the literature in individuals affected with KDM6A-related conditions. The frequency data for this variant in the population databases is considered unreliable, as metrics indicate poor data quality at this position in the gnomAD database. This sequence change replaces proline, which is neutral and non-polar, with histidine, which is basic and polar, at codon 458 of the KDM6A protein (p.Pro458His).